The following is an entry in ClinVar:

NM_015215.4(CAMTA1):c.2072_2075del (p.Thr691fs)

Gene: CAMTA1 (calmodulin binding transcription activator 1; plus strand). Cytogenetic location: 1p36.23.
Variant type: Deletion.
Coding change: c.2072_2075del on transcript NM_015215.4 (MANE Select); coding-DNA positions 2072 to 2075, 4 bases deleted (CCAT; older notation c.2072_2075delCCAT).
Protein change: p.Thr691fs; shifts the reading frame from threonine 691.
Molecular consequence: frameshift variant.
Genome position (GRCh38, 1-based): chr1:7,664,619-7,664,622, CCAT deleted. VCF-style (leftmost placement, unchanged base first): chr1-7664618-ACCAT-A. GRCh37 (hg19) VCF-style: chr1-7724678-ACCAT-A.
Other names: c.1982_1985del, p.Thr661fs (NM_001349608.2, NM_001349612.2); c.2072_2075del, p.Thr691fs (NM_001349609.2, NM_001349610.2, NM_001410737.1); c.2000_2003del, p.Thr667fs (NM_001410738.1); short protein forms T661fs, T667fs, T691fs.
Identifiers: ClinVar variation 3254720 (VCV003254720.1), dbSNP rs2523738693.

ClinVar aggregate classification (germline): Pathogenic (1 of 4 stars; one submission).

Conditions:
Cerebellar dysfunction with variable cognitive and behavioral abnormalities (CECBA). Also called: Nonprogressive cerebellar atxia with intellectual disability. Identifiers: Orphanet 314647, MedGen C3553661, MONDO:0013886, OMIM 614756.

Submission:

Victorian Clinical Genetics Services, Murdoch Childrens Research Institute
Classification: Pathogenic for Cerebellar dysfunction with variable cognitive and behavioral abnormalities. Last evaluated: 2023-07-17. Review status: criteria provided, single submitter. Criteria: ACMG Guidelines, 2015. Collection method: clinical testing. Allele origin: germline. Inheritance: Autosomal dominant inheritance. Affected: yes.
Comment: Based on the classification scheme VCGS_Germline_v1.3.4, this variant is classified as Pathogenic. Following criteria are met: 0102 - Loss of function is a known mechanism of disease in this gene and is associated with cerebellar dysfunction with variable cognitive and behavioral abnormalities. (I) 0107 - This gene is associated with autosomal dominant disease. (I) 0201 - Variant is predicted to cause nonsense-mediated decay (NMD) and loss of protein (premature termination codon is located at least 54 nucleotides upstream of the final exon-exon junction). (SP) 0251 - This variant is heterozygous. (I) 0301 - Variant is absent from gnomAD (both v2 and v3). (SP) 0701 - Other NMD-predicted variants comparable to the one identified in this case have very strong previous evidence for pathogenicity (DECIPHER). (SP) 0807 - This variant has no previous evidence of pathogenicity. (I) 0905 - No published segregation evidence has been identified for this variant. (I) 1007 - No published functional evidence has been identified for this variant. (SP) Legend: (SP) - Supporting pathogenic, (I) - Information, (SB) - Supporting benign